The following is an entry in ClinVar:

ClinVar aggregate classification (germline): Uncertain significance. Review status: criteria provided, multiple submitters, no conflicts (2 of 4 stars). 2 submissions from 2 submitters: Uncertain significance (2). Last evaluated 2026-08-24.

Conditions:
Autosomal recessive limb-girdle muscular dystrophy type 2F (LGMDR6). Also called: Muscular dystrophy limb-girdle with delta-sarcoglyan deficiency; MUSCULAR DYSTROPHY, LIMB-GIRDLE, AUTOSOMAL RECESSIVE 6. Identifiers: Orphanet 219, MedGen C1832525, MONDO:0011028, OMIM 601287. Disease mechanism: Affects gamma-sarcoglycan and also disrupts the integrity of the entire sarcoglycan complex..

Allele frequency attached by ClinVar (database versions not stated): TOPMed 0.00001.

Submissions (2):

Myriad Genetics, Inc.
Classification: Uncertain significance for Autosomal recessive limb-girdle muscular dystrophy type 2F. Last evaluated: 2026-08-24. Review status: criteria provided, single submitter. Criteria: Myriad Autosomal Dominant, Autosomal Recessive and X-Linked Classification Criteria (2023). Collection method: clinical testing. Allele origin: unknown.
Comment: NM_000337.5(SGCD):c.104T>C(L35P) is a missense variant classified as a variant of uncertain significance in the context of delta-sarcoglycanopathy. L35P has been observed in a case with relevant disease (PMID: 34674813). Relevant functional assessments of this variant are not available in the literature. L35P has not been observed in referenced population frequency databases. In summary, there is insufficient evidence to classify NM_000337.5(SGCD):c.104T>C(L35P) as pathogenic or benign. Please note: this variant was assessed in the context of healthy population screening.

Labcorp Genetics (formerly Invitae), Labcorp
Classification: Uncertain significance for Autosomal recessive limb-girdle muscular dystrophy type 2F. Last evaluated: 2021-12-02. Review status: criteria provided, single submitter. Criteria: Invitae Variant Classification Sherloc (09022015). Collection method: clinical testing. Allele origin: germline.
Comment: This sequence change replaces leucine, which is neutral and non-polar, with proline, which is neutral and non-polar, at codon 35 of the SGCD protein (p.Leu35Pro). This variant is not present in population databases (gnomAD no frequency). This variant has not been reported in the literature in individuals affected with SGCD-related conditions. Algorithms developed to predict the effect of missense changes on protein structure and function are either unavailable or do not agree on the potential impact of this missense change (SIFT: "Deleterious"; PolyPhen-2: "Probably Damaging"; Align-GVGD: "Class C0"). In summary, the available evidence is currently insufficient to determine the role of this variant in disease. Therefore, it has been classified as a Variant of Uncertain Significance.

Literature cited by the submitters: PubMed 34674813 (cited by Myriad Genetics, Inc.).

NM_000337.6(SGCD):c.104T>C (p.Leu35Pro)

Gene: SGCD (sarcoglycan delta; plus strand). Cytogenetic location: 5q33.3.
Variant type: single nucleotide variant.
Coding change: c.104T>C on transcript NM_000337.6 (MANE Select); coding-DNA position 104, T replaced by C.
Protein change: p.Leu35Pro; replaces leucine 35 with proline.
Molecular consequence: missense variant.
Genome position (GRCh38, 1-based): chr5:156,344,589, T>C. VCF-style: chr5-156344589-T-C. GRCh37 (hg19) VCF-style: chr5-155771599-T-C.
Other names: c.101T>C, p.Leu34Pro (NM_001128209.2); c.104T>C, p.Leu35Pro (NM_172244.3); short protein forms L35P, L34P.
Identifiers: ClinVar variation 1424860 (VCV001424860.4), dbSNP rs1014551583, ClinGen allele CA130594219.